The following is an entry in ClinVar:

ClinVar aggregate classification (germline): Uncertain significance (1 of 4 stars; one submission).

Conditions:
Ataxia-telangiectasia syndrome (AT). Also called: Cerebello-oculocutaneous telangiectasia; Immunodeficiency with ataxia telangiectasia; Ataxia-telangiectasia, complementation group E; LOUIS-BAR SYNDROME; AT, COMPLEMENTATION GROUP C; ATAXIA-TELANGIECTASIA, COMPLEMENTATION GROUP A. Identifiers: Orphanet 100, MedGen C0004135, MONDO:0008840, OMIM 208900.

Submission:

Labcorp Genetics (formerly Invitae), Labcorp
Classification: Uncertain significance for Ataxia-telangiectasia syndrome. Last evaluated: 2025-02-18. Review status: criteria provided, single submitter. Criteria: Invitae Variant Classification Sherloc (09022015). Collection method: clinical testing. Allele origin: germline.
Comment: This sequence change replaces glycine, which is neutral and non-polar, with alanine, which is neutral and non-polar, at codon 1307 of the ATM protein (p.Gly1307Ala). This variant is not present in population databases (gnomAD no frequency). This variant has not been reported in the literature in individuals affected with ATM-related conditions. Invitae Evidence Modeling of protein sequence and biophysical properties (such as structural, functional, and spatial information, amino acid conservation, physicochemical variation, residue mobility, and thermodynamic stability) indicates that this missense variant is not expected to disrupt ATM protein function with a negative predictive value of 95%. In summary, the available evidence is currently insufficient to determine the role of this variant in disease. Therefore, it has been classified as a Variant of Uncertain Significance.

NM_000051.4(ATM):c.3920G>C (p.Gly1307Ala)

Gene: ATM (ATM serine/threonine kinase; plus strand). Cytogenetic location: 11q22.3.
Variant type: single nucleotide variant.
Coding change: c.3920G>C on transcript NM_000051.4 (MANE Select); coding-DNA position 3920, G replaced by C.
Protein change: p.Gly1307Ala; replaces glycine 1307 with alanine.
Molecular consequence: missense variant.
Genome position (GRCh38, 1-based): chr11:108,284,400, G>C. VCF-style: chr11-108284400-G-C. GRCh37 (hg19) VCF-style: chr11-108155127-G-C.
Other names: c.3920G>C, p.Gly1307Ala (NM_001351834.2); short protein forms G1307A.
Identifiers: ClinVar variation 4738672 (VCV004738672.1).